The following is an entry in ClinVar:

NM_000016.6(ACADM):c.820A>G (p.Met274Val)

Gene: ACADM (acyl-CoA dehydrogenase medium chain; plus strand). Cytogenetic location: 1p31.1.
Variant type: single nucleotide variant.
Coding change: c.820A>G on transcript NM_000016.6 (MANE Select); coding-DNA position 820, A replaced by G.
Protein change: p.Met274Val; replaces methionine 274 with valine.
Molecular consequence: missense variant.
Genome position (GRCh38, 1-based): chr1:75,749,530, A>G. VCF-style: chr1-75749530-A-G. GRCh37 (hg19) VCF-style: chr1-76215215-A-G.
Other names: c.832A>G, p.Met278Val (NM_001127328.3); c.712A>G, p.Met238Val (NM_001286042.2); c.919A>G, p.Met307Val (NM_001286043.2); c.253A>G, p.Met85Val (NM_001286044.2); c.820A>G (NM_000016.4); short protein forms M238V, M274V, M307V, M85V, M278V.
Identifiers: ClinVar variation 2059928 (VCV002059928.8), dbSNP rs751163688, ClinGen allele CA913209.
Genomic context (GRCh38, chr1:75,749,530, plus strand): 5'-GATGTGAAAGTGCCTAAAGAAAATGTTTTAATTGGTGACGGAGCTGGTTTCAAAGTTGCA[A>G]TGGGAGCTTTTGATAAAACCAGACCTGTAGTAAGTAATATGGGTTCATAATCTTTATAGG-3'
Protein context (NP_000007.1, residues 264-284): IGDGAGFKVA[Met274Val]GAFDKTRPVV

ClinVar aggregate classification (germline): Pathogenic/Likely pathogenic. Review status: criteria provided, multiple submitters, no conflicts (2 of 4 stars). 4 submissions from 4 submitters: Pathogenic (1); Likely pathogenic (3). Last evaluated 2026-08-28.

Conditions:
Inborn genetic diseases. Identifiers: MedGen C0950123, MeSH D030342.
Medium-chain acyl-coenzyme A dehydrogenase deficiency (ACADMD). Also called: MCAD Deficiency; CARNITINE DEFICIENCY SECONDARY TO MEDIUM-CHAIN ACYL-CoA DEHYDROGENASE DEFICIENCY; MCADH DEFICIENCY; MCADD; ACADM DEFICIENCY; Medium chain acyl-CoA dehydrogenase deficiency. Identifiers: Orphanet 42, MedGen C0220710, MONDO:0008721, OMIM 201450.

Allele frequency attached by ClinVar (database versions not stated): gnomAD 0.00001; ExAC 0.00001; gnomAD exomes 0.00001; TOPMed 0.00002.
gnomAD v4.1: 11 of 1,613,972 alleles (0.00068%); highest among the groups gnomAD compares: African/African-American, 0.004%; no homozygotes.

Submissions (4):

Ambry Genetics
Classification: Pathogenic for Inborn genetic diseases. Last evaluated: 2026-08-28. Review status: criteria provided, single submitter. Criteria: Ambry Variant Classification Scheme 2023. Collection method: clinical testing. Allele origin: germline.
Comment: The c.820A>G (p.M274V) alteration is located in exon 9 (coding exon 9) of the ACADM gene. This alteration results from an A to G substitution at nucleotide position 820, causing the methionine (M) at amino acid position 274 to be replaced by a valine (V). Based on data from gnomAD, the G allele has an overall frequency of 0.001% (2/251328) total alleles studied. The highest observed frequency was 0.006% (1/16176) of African alleles. This variant has been identified in the homozygous state and/or in conjunction with other ACADM variant(s) in individual(s) with features consistent with medium chain acyl-CoA dehydrogenase deficiency (Tajima, 2016; Hara, 2016). This amino acid position is highly conserved in available vertebrate species. This alteration is predicted to be deleterious by in silico analysis. Based on the available evidence, this alteration is classified as pathogenic.

Labcorp Genetics (formerly Invitae), Labcorp
Classification: Likely pathogenic for Medium-chain acyl-coenzyme A dehydrogenase deficiency. Last evaluated: 2026-01-28. Review status: criteria provided, single submitter. Criteria: Invitae Variant Classification Sherloc (09022015). Collection method: clinical testing. Allele origin: germline.
Comment: This sequence change replaces methionine, which is neutral and non-polar, with valine, which is neutral and non-polar, at codon 274 of the ACADM protein (p.Met274Val). This variant is present in population databases (rs751163688, gnomAD 0.007%). This missense change has been observed in individual(s) with medium-chain acyl-CoA dehydrogenase deficiency (PMID: 26947917, 27856190). This variant is also known as c.820A>G (M249V). ClinVar contains an entry for this variant (Variation ID: 2059928). Invitae Evidence Modeling of protein sequence and biophysical properties (such as structural, functional, and spatial information, amino acid conservation, physicochemical variation, residue mobility, and thermodynamic stability) indicates that this missense variant is expected to disrupt ACADM protein function with a positive predictive value of 80%. Experimental studies have shown that this missense change affects ACADM function (PMID: 26947917). In summary, the currently available evidence indicates that the variant is pathogenic, but additional data are needed to prove that conclusively. Therefore, this variant has been classified as Likely Pathogenic.

Natera, Inc.
Classification: Likely pathogenic for Medium Chain Acyl-CoA Dehydrogenase Deficiency. Last evaluated: 2025-09-26. Review status: criteria provided, single submitter. Criteria: Natera Variant Classification Schema (03/2026). Collection method: clinical testing. Allele origin: germline.
Comment: The c.820A>G variant in ACADM is a missense variant predicted to cause substitution of methionine to valine at amino acid 274. This variant is rare in the general population with a frequency below the threshold expected for the associated phenotype(s). This variant has been observed in one or more individuals affected with the associated recessive disease, as either homozygous or compound heterozygous with a second variant (PMID: 27856190). Additionally, this variant has been observed to segregate in affected family members (PMID: 27856190). This variant has been identified in one or more affected individuals with a phenotype highly consistent with the associated gene (PMID: 27856190). Computational prediction algorithms indicate this variant is likely to affect gene or protein function. Given the available evidence, this variant is classified as Likely Pathogenic.

Baylor Genetics
Classification: Likely pathogenic for Medium-chain acyl-coenzyme A dehydrogenase deficiency. Last evaluated: 2024-03-17. Review status: criteria provided, single submitter. Criteria: ACMG Guidelines, 2015. Collection method: clinical testing. Allele origin: unknown.

Literature cited by the submitters: PubMed 26947917 (cited by Ambry Genetics and Labcorp Genetics (formerly Invitae), Labcorp); PubMed 27856190 (cited by 3 submitters).